The following is an entry in ClinVar:

ClinVar aggregate classification (germline): Uncertain significance (1 of 4 stars; one submission).

Allele frequency attached by ClinVar (database versions not stated): ExAC 0.00001.
gnomAD v4.1: 3 of 1,613,770 alleles (0.00019%); highest among the groups gnomAD compares: Admixed American, 0.0033%; no homozygotes.

Submission:

GeneDx
Classification: Uncertain significance. Last evaluated: 2019-04-02. Review status: criteria provided, single submitter. Criteria: GeneDx Variant Classification Process June 2021. Collection method: clinical testing. Allele origin: germline. Affected: yes.
Comment: In silico analysis, which includes protein predictors and evolutionary conservation, supports a deleterious effect; Has not been previously published as pathogenic or benign to our knowledge

NM_015100.4(POGZ):c.1558G>C (p.Asp520His)

Gene: POGZ (pogo transposable element derived with ZNF domain; minus strand). Cytogenetic location: 1q21.3.
Variant type: single nucleotide variant.
Coding change: c.1558G>C on transcript NM_015100.4 (MANE Select); coding-DNA position 1558, G replaced by C.
Protein change: p.Asp520His; replaces aspartic acid 520 with histidine.
Molecular consequence: missense variant.
Genome position (GRCh38, 1-based): chr1:151,423,517, C>G on the plus strand (G>C on the coding strand, the complement: POGZ is on the minus strand). VCF-style: chr1-151423517-C-G. GRCh37 (hg19) VCF-style: chr1-151395993-C-G.
Other names: c.1531G>C, p.Asp511His (NM_001194937.2); c.1372G>C, p.Asp458His (NM_001194938.2); c.1273G>C, p.Asp425His (NM_145796.4); c.1399G>C, p.Asp467His (NM_207171.2); short protein forms D425H, D458H, D467H, D511H, D520H.
Identifiers: ClinVar variation 1308548 (VCV001308548.2), dbSNP rs779465815, ClinGen allele CA1091401.
Genomic context (GRCh38, chr1:151,423,517, plus strand): 5'-AAAACTGGCGGTAACAGTGCTGGCAGATAGTGTGACCATCTACCTCACCGTTCTGCTGAT[C>G]GAGTTCTACGTGGTGTTTCATATGGTTCATGAATCTGTAATAAAGCACAAAGAGAAAGTA-3'
Protein context (NP_055915.2, residues 510-530): MNHMKHHVEL[Asp520His]QQNGEVDGHT